The following is an entry in ClinVar:

ClinVar aggregate classification (germline): Uncertain significance (1 of 4 stars; one submission).

Conditions:
Epilepsy. Also called: Seizure disorder. Identifiers: MedGen C0014544, MeSH D004827, MONDO:0005027.

Allele frequency attached by ClinVar (database versions not stated): gnomAD exomes below 0.00001 and 0.00002; ExAC 0.00001.
gnomAD v4.1: 21 of 1,613,096 alleles (0.0013%); highest among the groups gnomAD compares: Non-Finnish European, 0.0018%; no homozygotes.

Submission:

Labcorp Genetics (formerly Invitae), Labcorp
Classification: Uncertain significance for Epilepsy. Last evaluated: 2021-02-25. Review status: criteria provided, single submitter. Criteria: Invitae Variant Classification Sherloc (09022015). Collection method: clinical testing. Allele origin: germline.
Comment: This variant has not been reported in the literature in individuals with PIGQ-related disease. Algorithms developed to predict the effect of missense changes on protein structure and function are either unavailable or do not agree on the potential impact of this missense change (SIFT: "Deleterious"; PolyPhen-2: "Probably Damaging"; Align-GVGD: "Class C0"). Algorithms developed to predict the effect of sequence changes on RNA splicing suggest that this variant may create or strengthen a splice site, but this prediction has not been confirmed by published transcriptional studies. In summary, the available evidence is currently insufficient to determine the role of this variant in disease. Therefore, it has been classified as a Variant of Uncertain Significance. This variant is present in population databases (rs781446048, ExAC 0.002%). This sequence change replaces tryptophan with arginine at codon 573 of the PIGQ protein (p.Trp573Arg). The tryptophan residue is moderately conserved and there is a moderate physicochemical difference between tryptophan and arginine.

NM_004204.5(PIGQ):c.1717T>A (p.Trp573Arg)

Gene: PIGQ (phosphatidylinositol glycan anchor biosynthesis class Q; plus strand). Cytogenetic location: 16p13.3.
Variant type: single nucleotide variant.
Coding change: c.1717T>A on transcript NM_004204.5 (MANE Select); coding-DNA position 1717, T replaced by A.
Protein change: p.Trp573Arg; replaces tryptophan 573 with arginine.
Molecular consequence: missense variant.
Genome position (GRCh38, 1-based): chr16:583,006, T>A. VCF-style: chr16-583006-T-A. GRCh37 (hg19) VCF-style: chr16-633006-T-A.
Other names: c.1655T>A, p.Leu552Gln (NM_148920.4); short protein forms L552Q, W573R.
Identifiers: ClinVar variation 655042 (VCV000655042.7), dbSNP rs781446048, ClinGen allele CA7780514.